The following is an entry in ClinVar:

NM_001267550.2(TTN):c.60814C>T (p.Pro20272Ser)

Genes: TTN (titin; minus strand), TTN-AS1 (TTN antisense RNA 1; plus strand). Cytogenetic location: 2q31.2.
Variant type: single nucleotide variant.
Coding change: c.60814C>T on transcript NM_001267550.2 (MANE Select); coding-DNA position 60814, C replaced by T.
Protein change: p.Pro20272Ser; replaces proline 20272 with serine.
Molecular consequence: missense variant.
Genome position (GRCh38, 1-based): chr2:178,590,911, G>A on the plus strand (C>T on the coding strand, the complement: TTN is on the minus strand). VCF-style: chr2-178590911-G-A. GRCh37 (hg19) VCF-style: chr2-179455638-G-A.
Other names: c.55891C>T, p.Pro18631Ser (NM_001256850.1); c.33619C>T, p.Pro11207Ser (NM_003319.4); c.53110C>T, p.Pro17704Ser (NM_133378.4); c.33994C>T, p.Pro11332Ser (NM_133432.3); c.34195C>T, p.Pro11399Ser (NM_133437.4); short protein forms P11399S, P17704S, P20272S, P11332S, P11207S, P18631S.
Identifiers: ClinVar variation 1730619 (VCV001730619.2), dbSNP rs945591043, ClinGen allele CA60968658.

ClinVar aggregate classification (germline): Uncertain significance (1 of 4 stars; one submission).

Conditions:
Cardiovascular phenotype. Identifiers: MedGen CN230736.

Allele frequency attached by ClinVar (database versions not stated): TOPMed below 0.00001; gnomAD 0.00001.
gnomAD v4.1: 2 of 1,612,420 alleles (0.00012%); highest among the groups gnomAD compares: African/African-American, 0.0027%; no homozygotes.

Submission:

Ambry Genetics
Classification: Uncertain significance for Cardiovascular phenotype. Last evaluated: 2019-07-11. Review status: criteria provided, single submitter. Criteria: Ambry Variant Classification Scheme 2023. Collection method: clinical testing. Allele origin: germline.
Comment: The p.P11207S variant (also known as c.33619C>T), located in coding exon 131 of the TTN gene, results from a C to T substitution at nucleotide position 33619. The proline at codon 11207 is replaced by serine, an amino acid with similar properties. This amino acid position is highly conserved in available vertebrate species. In addition, the in silico prediction for this alteration is inconclusive. Since supporting evidence is limited at this time, the clinical significance of this alteration remains unclear.